The following is an entry in ClinVar:

ClinVar aggregate classification (germline): Likely pathogenic (1 of 4 stars; one submission).

Conditions:
Peroxisome biogenesis disorder. Identifiers: Orphanet 79189, MedGen C1832200, MONDO:0019234. Disease mechanism: loss of function.

Submission:

Labcorp Genetics (formerly Invitae), Labcorp
Classification: Likely pathogenic for Peroxisome biogenesis disorder. Last evaluated: 2023-02-20. Review status: criteria provided, single submitter. Criteria: Invitae Variant Classification Sherloc (09022015). Collection method: clinical testing. Allele origin: germline.
Comment: In summary, the currently available evidence indicates that the variant is pathogenic, but additional data are needed to prove that conclusively. Therefore, this variant has been classified as Likely Pathogenic. Algorithms developed to predict the effect of sequence changes on RNA splicing suggest that this variant may disrupt the consensus splice site. This variant has not been reported in the literature in individuals affected with PEX6-related conditions. This variant is not present in population databases (gnomAD no frequency). This variant results in the deletion of part of exon 2 (c.883-6_887del) of the PEX6 gene. It is expected to disrupt RNA splicing. Variants that disrupt the donor or acceptor splice site typically lead to a loss of protein function (PMID: 16199547), and loss-of-function variants in PEX6 are known to be pathogenic (PMID: 8670792, 19877282, 21031596).

Literature cited by the submitters: PubMed 16199547; PubMed 8670792; PubMed 19877282; PubMed 21031596.

NM_000287.4(PEX6):c.883-6_887del

Gene: PEX6 (peroxisomal biogenesis factor 6; minus strand). Cytogenetic location: 6p21.1.
Variant type: Deletion.
Coding change: c.883-6_887del on transcript NM_000287.4 (MANE Select); 6 bases into the intron before coding-DNA position 883 through coding-DNA position 887, 11 bases deleted (TAATAGAGGTA).
Molecular consequence: splice acceptor variant.
Genome position (GRCh38, 1-based): chr6:42,975,034-42,975,044, TACCTCTATTA deleted on the plus strand (TAATAGAGGTA on the coding strand, the reverse complement: PEX6 is on the minus strand). VCF-style (leftmost placement, unchanged base first): chr6-42975033-GTACCTCTATTA-G. GRCh37 (hg19) VCF-style: chr6-42942771-GTACCTCTATTA-G.
Other names: c.619-6_623del (NM_001316313.2).
Identifiers: ClinVar variation 2839074 (VCV002839074.3), dbSNP rs2481258932, ClinGen allele CA2739273013.
Genomic context (GRCh38, chr6:42,975,033, plus strand): 5'-TGGAGGCCCAGGCAGCAATGAGCAGCTTCCTTTGTCTTCAGGGGCGATGGAGCCTTCCAA[GTACCTCTATTA>G]GAGAAATAACCACCACGTTATAACCTTCTCCTAAGGGGGCAGGCTCTAACCTGTCTCTCA-3'